The following is an entry in ClinVar:

ClinVar aggregate classification (germline): Uncertain significance (1 of 4 stars; one submission).

Conditions:
Hereditary cancer-predisposing syndrome. Also called: Neoplastic Syndromes, Hereditary; Tumor predisposition; Hereditary neoplastic syndrome; Hereditary Cancer Syndrome. Identifiers: Orphanet 140162, MedGen C0027672, MeSH D009386, MONDO:0015356.

Submission:

Ambry Genetics
Classification: Uncertain significance for Hereditary cancer-predisposing syndrome. Last evaluated: 2026-06-27. Review status: criteria provided, single submitter. Criteria: Ambry Variant Classification Scheme 2023. Collection method: clinical testing. Allele origin: germline.
Comment: The p.I175M variant (also known as c.525C>G), located in coding exon 3 of the FLCN gene, results from a C to G substitution at nucleotide position 525. The isoleucine at codon 175 is replaced by methionine, an amino acid with highly similar properties. This amino acid position is conserved. In addition, the in silico prediction for this alteration is inconclusive. Based on the available evidence, the clinical significance of this variant remains unclear.

NM_144997.7(FLCN):c.525C>G (p.Ile175Met)

Gene: FLCN (folliculin; minus strand). Cytogenetic location: 17p11.2.
Variant type: single nucleotide variant.
Coding change: c.525C>G on transcript NM_144997.7 (MANE Select); coding-DNA position 525, C replaced by G.
Protein change: p.Ile175Met; replaces isoleucine 175 with methionine.
Molecular consequence: missense variant.
Genome position (GRCh38, 1-based): chr17:17,224,015, G>C on the plus strand (C>G on the coding strand, the complement: FLCN is on the minus strand). VCF-style: chr17-17224015-G-C. GRCh37 (hg19) VCF-style: chr17-17127329-G-C.
Other names: c.579C>G, p.Ile193Met (NM_001353229.2); c.525C>G, p.Ile175Met (NM_001353230.2, NM_001353231.2, NM_144606.7); short protein forms I193M, I175M.
Identifiers: ClinVar variation 5021819 (VCV005021819.1).
Genomic context (GRCh38, chr17:17,224,015, plus strand): 5'-TCCCCGGACCTTCCCCAGCAGGAAGGGCCAGGAGTTGATGAGGTAGATCCGGTCCATCAT[G>C]ATGGTGATGATGCTGTACCAGCGCTGGAAGCCCCTGGCCAGGCTGTCCTTGATGAAGAAG-3'
Protein context (NP_659434.2, residues 165-185): GFQRWYSIIT[Ile175Met]MMDRIYLINS